The following is an entry in ClinVar:

NM_000051.4(ATM):c.9077T>G (p.Leu3026Arg)

Genes: C11orf65 (chromosome 11 open reading frame 65; minus strand), ATM (ATM serine/threonine kinase; plus strand). Cytogenetic location: 11q22.3.
Variant type: single nucleotide variant.
Coding change: c.9077T>G on transcript NM_000051.4 (MANE Select); coding-DNA position 9077, T replaced by G.
Protein change: p.Leu3026Arg; replaces leucine 3026 with arginine.
Molecular consequence: missense variant. On other transcripts: intron variant (2).
Genome position (GRCh38, 1-based): chr11:108,365,414, T>G. VCF-style: chr11-108365414-T-G. GRCh37 (hg19) VCF-style: chr11-108236141-T-G.
Other names: c.9077T>G, p.Leu3026Arg (NM_001351834.2); c.640+20506A>C (NM_001330368.2); c.694+20506A>C (NM_001351110.2); short protein forms L3026R.
Identifiers: ClinVar variation 584499 (VCV000584499.50), dbSNP rs1565609286, ClinGen allele CA382531748.

ClinVar aggregate classification (germline): Uncertain significance. Review status: criteria provided, multiple submitters, no conflicts (2 of 4 stars). 4 submissions from 4 submitters: Uncertain significance (4). Last evaluated 2025-05-01.

Conditions:
Hereditary cancer-predisposing syndrome. Also called: Hereditary Cancer Syndrome; Neoplastic Syndromes, Hereditary; Tumor predisposition; Hereditary neoplastic syndrome. Identifiers: Orphanet 140162, MedGen C0027672, MeSH D009386, MONDO:0015356.
Ataxia-telangiectasia syndrome (AT). Also called: Cerebello-oculocutaneous telangiectasia; Immunodeficiency with ataxia telangiectasia; Ataxia-telangiectasia, complementation group E; Ataxia-telangiectasia, complementation group D; AT, COMPLEMENTATION GROUP C; ATAXIA-TELANGIECTASIA, COMPLEMENTATION GROUP A. Identifiers: Orphanet 100, MedGen C0004135, MONDO:0008840, OMIM 208900.

Submissions (4):

Ambry Genetics
Classification: Uncertain significance for Hereditary cancer-predisposing syndrome. Last evaluated: 2025-05-01. Review status: criteria provided, single submitter. Criteria: Ambry Variant Classification Scheme 2023. Collection method: clinical testing. Allele origin: germline.
Comment: The p.L3026R variant (also known as c.9077T>G), located in coding exon 62 of the ATM gene, results from a T to G substitution at nucleotide position 9077. The leucine at codon 3026 is replaced by arginine, an amino acid with dissimilar properties. This alteration was identified in 1/255 Romanian breast cancer patients undergoing multigene panel testing for hereditary cancer risk (Goidescu IG et al. Cancers (Basel), 2023 Mar;15:). This alteration has also been reported in 1of 1197 individuals from Greece, Romania, and Turkey undergoing evaluation for inherited cancer predisposition (Tsaousis GN et al. BMC Cancer, 2019 Jun;19:535). This amino acid position is highly conserved in available vertebrate species. In addition, this alteration is predicted to be deleterious by in silico analysis. Based on the available evidence, the clinical significance of this variant remains unclear.

Labcorp Genetics (formerly Invitae), Labcorp
Classification: Uncertain significance for Ataxia-telangiectasia syndrome. Last evaluated: 2025-04-17. Review status: criteria provided, single submitter. Criteria: Invitae Variant Classification Sherloc (09022015). Collection method: clinical testing. Allele origin: germline.
Comment: This sequence change replaces leucine, which is neutral and non-polar, with arginine, which is basic and polar, at codon 3026 of the ATM protein (p.Leu3026Arg). This variant is not present in population databases (gnomAD no frequency). This missense change has been observed in individual(s) with breast cancer and personal and/or family history of cancer (PMID: 29785153, 31159747). ClinVar contains an entry for this variant (Variation ID: 584499). Invitae Evidence Modeling of protein sequence and biophysical properties (such as structural, functional, and spatial information, amino acid conservation, physicochemical variation, residue mobility, and thermodynamic stability) indicates that this missense variant is expected to disrupt ATM protein function with a positive predictive value of 95%. In summary, the available evidence is currently insufficient to determine the role of this variant in disease. Therefore, it has been classified as a Variant of Uncertain Significance.

GeneDx
Classification: Uncertain significance. Last evaluated: 2022-03-21. Review status: criteria provided, single submitter. Criteria: GeneDx Variant Classification Process June 2021. Collection method: clinical testing. Allele origin: germline. Affected: yes.
Comment: Not observed at significant frequency in large population cohorts (gnomAD); In silico analysis supports that this missense variant has a deleterious effect on protein structure/function; Observed in individuals with a personal or family history of breast cancer and other cancers in published literature (Goidescu 2018, Tsaousis 2019); This variant is associated with the following publications: (PMID: 23532176, 29785153, 31159747)

GeneKor MSA
Classification: Uncertain significance for Hereditary cancer-predisposing syndrome. Last evaluated: 2018-08-01. Review status: criteria provided, single submitter. Criteria: ACMG Guidelines, 2015. Collection method: clinical testing. Allele origin: germline. Affected: yes.

Literature cited by the submitters: PubMed 31159747 (cited by Ambry Genetics and Labcorp Genetics (formerly Invitae), Labcorp); PubMed 36980780 (cited by Ambry Genetics); PubMed 29785153 (cited by Labcorp Genetics (formerly Invitae), Labcorp).